The following is an entry in ClinVar:

NM_181426.2(CCDC39):c.1528-3C>T

Gene: CCDC39 (coiled-coil domain 39 molecular ruler complex subunit; minus strand). Cytogenetic location: 3q26.33.
Variant type: single nucleotide variant.
Coding change: c.1528-3C>T on transcript NM_181426.2 (MANE Select); 3 bases into the intron before coding-DNA position 1528, C replaced by T.
Molecular consequence: intron variant.
Genome position (GRCh38, 1-based): chr3:180,644,260, G>A on the plus strand (C>T on the coding strand, the complement: CCDC39 is on the minus strand). VCF-style: chr3-180644260-G-A. GRCh37 (hg19) VCF-style: chr3-180362048-G-A.
Identifiers: ClinVar variation 853208 (VCV000853208.11), dbSNP rs1319606277, ClinGen allele CA548336649.

ClinVar aggregate classification (germline): Uncertain significance. Review status: criteria provided, multiple submitters, no conflicts (2 of 4 stars). 2 submissions from 2 submitters: Uncertain significance (2). Last evaluated 2021-08-27.

Conditions:
Primary ciliary dyskinesia. Also called: Ciliary dyskinesia. Identifiers: Orphanet 244, MedGen C0008780, MONDO:0016575, HP:0012265.
Primary ciliary dyskinesia 14. Also called: CILIARY DYSKINESIA, PRIMARY, 14, WITH OR WITHOUT SITUS INVERSUS. Identifiers: Orphanet 244, MedGen C3151136, MONDO:0013434, OMIM 613807.

Allele frequency attached by ClinVar (database versions not stated): gnomAD exomes 0.00002 and 0.00003.

Submissions (2):

Labcorp Genetics (formerly Invitae), Labcorp
Classification: Uncertain significance for Primary ciliary dyskinesia. Last evaluated: 2021-08-27. Review status: criteria provided, single submitter. Criteria: Invitae Variant Classification Sherloc (09022015). Collection method: clinical testing. Allele origin: germline.
Comment: This sequence change falls in intron 11 of the CCDC39 gene. It does not directly change the encoded amino acid sequence of the CCDC39 protein. It affects a nucleotide within the consensus splice site of the intron. This variant is not present in population databases (ExAC no frequency). This variant has not been reported in the literature in individuals affected with CCDC39-related conditions. Variants that disrupt the consensus splice site are a relatively common cause of aberrant splicing (PMID: 17576681, 9536098). Algorithms developed to predict the effect of sequence changes on RNA splicing suggest that this variant is not likely to affect RNA splicing. In summary, the available evidence is currently insufficient to determine the role of this variant in disease. Therefore, it has been classified as a Variant of Uncertain Significance.

Illumina Laboratory Services, Illumina
Classification: Uncertain significance for Primary ciliary dyskinesia 14. Last evaluated: 2018-01-15. Review status: criteria provided, single submitter. Criteria: ICSL Variant Classification Criteria 13 December 2019. Collection method: clinical testing. Allele origin: germline.

Literature cited by the submitters: PubMed 17576681 (cited by Labcorp Genetics (formerly Invitae), Labcorp); PubMed 9536098 (cited by Labcorp Genetics (formerly Invitae), Labcorp).